The following is an entry in ClinVar:

ClinVar aggregate classification (germline): Uncertain significance (1 of 4 stars; one submission).

Submission:

Mayo Clinic Laboratories, Mayo Clinic
Classification: Uncertain significance. Last evaluated: 2023-05-16. Review status: criteria provided, single submitter. Criteria: ACMG Guidelines, 2015. Collection method: clinical testing. Allele origin: germline. Observed: 1 variant allele.
Comment: BP4

NM_003179.3(SYP):c.456G>A (p.Met152Ile)

Genes: SYP (synaptophysin; minus strand), LOC119407421 (CRISPRi-FlowFISH-validated PLP2 regulatory element 13; plus strand). Cytogenetic location: Xp11.23.
Variant type: single nucleotide variant.
Coding change: c.456G>A on transcript NM_003179.3 (MANE Select); coding-DNA position 456, G replaced by A.
Protein change: p.Met152Ile; replaces methionine 152 with isoleucine.
Molecular consequence: missense variant.
Genome position (GRCh38, 1-based): chrX:49,193,431, C>T on the plus strand (G>A on the coding strand, the complement: SYP is on the minus strand). VCF-style: chrX-49193431-C-T. GRCh37 (hg19) VCF-style: chrX-49049888-C-T.
Other names: p.Met152Ile; short protein forms M152I.
Identifiers: ClinVar variation 2683587 (VCV002683587.1), dbSNP rs2520591409, ClinGen allele CA412953132.